The following is an entry in ClinVar:

NM_152416.4(NDUFAF6):c.2T>C (p.Met1Thr)

Genes: NDUFAF6 (NADH:ubiquinone oxidoreductase complex assembly factor 6; plus strand), LOC113788297 (Sharpr-MPRA regulatory region 2014; plus strand). Cytogenetic location: 8q22.1.
Variant type: single nucleotide variant.
Coding change: c.2T>C on transcript NM_152416.4 (MANE Select); coding-DNA position 2, T replaced by C.
Protein change: p.Met1Thr; changes the start codon (methionine 1).
Molecular consequence: missense variant, initiator codon variant. On other transcripts: 5 prime UTR variant (12), non-coding transcript variant (6), intron variant (7).
Genome position (GRCh38, 1-based): chr8:95,025,010, T>C. VCF-style: chr8-95025010-T-C. GRCh37 (hg19) VCF-style: chr8-96037238-T-C.
Other names: c.-279T>C (NM_001330582.2, NM_001354521.2); c.-232T>C (NM_001354517.2); c.-451T>C (NM_001354518.2); c.-447T>C (NM_001354519.2); c.-796T>C (NM_001354527.2); c.-767T>C (NM_001354528.2); c.-579T>C (NM_001354529.2); c.-681T>C (NM_001354530.2); and 8 more; short protein forms M1T.
Identifiers: ClinVar variation 426457 (VCV000426457.5), dbSNP rs552141388, ClinGen allele CA4814655.

ClinVar aggregate classification (germline): Likely pathogenic. Review status: criteria provided, multiple submitters, no conflicts (2 of 4 stars). 2 submissions from 2 submitters: Likely pathogenic (2). Last evaluated 2026-08-07.

Conditions:
Inborn genetic diseases. Identifiers: MedGen C0950123, MeSH D030342.

Allele frequency attached by ClinVar (database versions not stated): gnomAD exomes 0.00001; ExAC below 0.00001.

Submissions (2):

GeneDx
Classification: Likely pathogenic. Last evaluated: 2026-08-07. Review status: criteria provided, single submitter. Criteria: GeneDx Variant Classification Process June 2021. Collection method: clinical testing. Allele origin: germline.
Comment: Not observed at significant frequency in large population cohorts (gnomAD); Initiation codon variant predicted to alter the protein; however, a downstream in-frame Methionine residue could serve as an alternate initiator codon; Has not been previously published as pathogenic or benign to our knowledge

Ambry Genetics
Classification: Likely pathogenic for Inborn genetic diseases. Last evaluated: 2023-02-08. Review status: criteria provided, single submitter. Criteria: Ambry Variant Classification Scheme 2023. Collection method: clinical testing. Allele origin: germline.
Comment: The c.2T>C (p.M1?) alteration is located in coding exon 1 of the NDUFAF6 gene and results from a T to C substitution at nucleotide position 2. This alters the methionine residue at the initiation codon (ATG). Sequence variations that modify the initiation codon are expected to result in either loss of translation initiation, N-terminal truncation, or cause a shift in the mRNA reading frame. There is an alternative initiation (or start) codon in other transcripts, and the exact functional effect of this alteration is unknown. This allele was reported in one heterozygous individual in population-based cohorts in the Genome Aggregation Database (gnomAD). This amino acid position is highly conserved in available vertebrate species. Based on the available evidence, this alteration is classified as likely pathogenic.